The following is an entry in ClinVar:

NM_006876.3(B4GAT1):c.872T>G (p.Leu291Trp)

Gene: B4GAT1 (beta-1,4-glucuronyltransferase 1; minus strand). Cytogenetic location: 11q13.2.
Variant type: single nucleotide variant.
Coding change: c.872T>G on transcript NM_006876.3 (MANE Select); coding-DNA position 872, T replaced by G.
Protein change: p.Leu291Trp; replaces leucine 291 with tryptophan.
Molecular consequence: missense variant.
Genome position (GRCh38, 1-based): chr11:66,346,674, A>C on the plus strand (T>G on the coding strand, the complement: B4GAT1 is on the minus strand). VCF-style: chr11-66346674-A-C. GRCh37 (hg19) VCF-style: chr11-66114145-A-C.
Other names: short protein forms L291W.
Identifiers: ClinVar variation 1994167 (VCV001994167.4), dbSNP rs2495384577, ClinGen allele CA381417465.

ClinVar aggregate classification (germline): Uncertain significance (1 of 4 stars; one submission).

Conditions:
Muscular dystrophy-dystroglycanopathy (congenital with brain and eye anomalies), type A13. Also called: WALKER-WARBURG SYNDROME OR MUSCLE-EYE-BRAIN DISEASE, B3GNT1-RELATED; Muscular dystrophy-dystroglycanopathy (congenital with brain and eye anomalies), type a, 13. Identifiers: Orphanet 899, MedGen C3809042, MONDO:0014120, OMIM 615287.

Submission:

Labcorp Genetics (formerly Invitae), Labcorp
Classification: Uncertain significance for Muscular dystrophy-dystroglycanopathy (congenital with brain and eye anomalies), type A13. Last evaluated: 2022-05-25. Review status: criteria provided, single submitter. Criteria: Invitae Variant Classification Sherloc (09022015). Collection method: clinical testing. Allele origin: germline.
Comment: In summary, the available evidence is currently insufficient to determine the role of this variant in disease. Therefore, it has been classified as a Variant of Uncertain Significance. Algorithms developed to predict the effect of missense changes on protein structure and function are either unavailable or do not agree on the potential impact of this missense change (SIFT: "Deleterious"; PolyPhen-2: "Probably Damaging"; Align-GVGD: "Class C0"). This variant has not been reported in the literature in individuals affected with B4GAT1-related conditions. This variant is not present in population databases (gnomAD no frequency). This sequence change replaces leucine, which is neutral and non-polar, with tryptophan, which is neutral and slightly polar, at codon 291 of the B4GAT1 protein (p.Leu291Trp).